The following is an entry in ClinVar:

NC_000023.10:g.(?_33032666)_(33038327_?)dup

Gene: DMD (dystrophin; minus strand). Cytogenetic location: Xp21.1.
Variant type: Duplication.
Identifiers: ClinVar variation 662853 (VCV000662853.2).

ClinVar aggregate classification (germline): Pathogenic (1 of 4 stars; one submission).

Conditions:
Duchenne muscular dystrophy (DMD). Also called: MUSCULAR DYSTROPHY, PSEUDOHYPERTROPHIC PROGRESSIVE, DUCHENNE TYPE; Duchenne Muscular Dystrophy (DMD). Identifiers: Orphanet 98896, MedGen C0013264, MONDO:0010679, OMIM 310200.

Submission:

Labcorp Genetics (formerly Invitae), Labcorp
Classification: Pathogenic for Duchenne muscular dystrophy. Last evaluated: 2019-12-23. Review status: criteria provided, single submitter. Criteria: Invitae Variant Classification Sherloc (09022015). Collection method: clinical testing. Allele origin: germline.
Comment: This variant is a gross duplication of the genomic region encompassing exon 2 of the DMD gene. The duplicated copy of this region is likely in tandem and results in an absent or disrupted protein product. Truncating variants in DMD are known to be pathogenic. Duplication of exon 2 has been reported as a commonly occurring single exon duplication in individuals with Duchenne muscular dystrophy (PMID: 16917894, 19937601, 25244321). For these reasons, this variant has been classified as Pathogenic.

Literature cited by the submitters: PubMed 16917894; PubMed 19937601; PubMed 25244321.